The following is an entry in ClinVar:

NM_147127.5(EVC2):c.2883A>C (p.Gly961=)

Gene: EVC2 (EvC ciliary complex subunit 2; minus strand). Cytogenetic location: 4p16.2.
Variant type: single nucleotide variant.
Coding change: c.2883A>C on transcript NM_147127.5 (MANE Select); coding-DNA position 2883, A replaced by C.
Protein change: p.Gly961=; no amino-acid change (glycine 961 retained).
Molecular consequence: synonymous variant.
Genome position (GRCh38, 1-based): chr4:5,584,797, T>G on the plus strand (A>C on the coding strand, the complement: EVC2 is on the minus strand). VCF-style: chr4-5584797-T-G. GRCh37 (hg19) VCF-style: chr4-5586524-T-G.
Other names: c.2643A>C, p.Gly881= (NM_001166136.2).
Identifiers: ClinVar variation 348994 (VCV000348994.25), dbSNP rs149188988, ClinGen allele CA2834533.
Genomic context (GRCh38, chr4:5,584,797, plus strand): 5'-AGTCTCGGTCACCCGGGACGCCTTCTGGAACTGCAGAGCAACAAGCGACTGTGCAAAGCC[T>G]CCCTCCTGTGCCTCCATCCGCTGCACTCTCTCCCGCAGCAATTCACCTCGAACCTGGGAG-3'
Protein context (NP_667338.3, residues 951-971): ERVQRMEAQE[Gly961=]GFAQSLVALQ

ClinVar aggregate classification (germline): Benign/Likely benign. Review status: criteria provided, multiple submitters, no conflicts (2 of 4 stars). 5 submissions from 5 submitters: Benign (1); Likely benign (4). Last evaluated 2026-01-26.

Conditions:
Curry-Hall syndrome (WAD). Also called: WEYERS ACRODENTAL DYSOSTOSIS. Identifiers: Orphanet 952, MedGen C0457013, MONDO:0008673, OMIM 193530.
Ellis-van Creveld syndrome (EVC). Also called: MESOECTODERMAL DYSPLASIA; Chondroectodermal dysplasia. Identifiers: Orphanet 289, MedGen C0013903, MONDO:0009162, OMIM 225500.

Allele frequency attached by ClinVar (database versions not stated): 1000 Genomes Project 30x 0.00156; 1000 Genomes Project 0.00160; gnomAD 0.00192 and 0.00205; TOPMed 0.00213; ESP Exome Variant Server 0.00246; gnomAD exomes 0.00013 and 0.00038; ExAC 0.00053.
gnomAD v4.1: 500 of 1,614,012 alleles (0.031%); highest among the groups gnomAD compares: African/African-American, 0.6%; 1 homozygote.

Submissions (5):

Labcorp Genetics (formerly Invitae), Labcorp
Classification: Benign for Curry-Hall syndrome; Ellis-van Creveld syndrome. Last evaluated: 2026-01-26. Review status: criteria provided, single submitter. Criteria: Invitae Variant Classification Sherloc (09022015). Collection method: clinical testing. Allele origin: germline.

Blueprint Genetics
Classification: Likely benign. Last evaluated: 2023-08-17. Review status: criteria provided, single submitter. Criteria: ACMG Guidelines, 2015. Collection method: clinical testing. Allele origin: germline.

GeneDx
Classification: Likely benign. Last evaluated: 2021-06-12. Review status: criteria provided, single submitter. Criteria: GeneDx Variant Classification Process June 2021. Collection method: clinical testing. Allele origin: germline. Affected: yes.

ARUP Laboratories, Molecular Genetics and Genomics, ARUP Laboratories
Classification: Likely benign. Last evaluated: 2020-08-24. Review status: criteria provided, single submitter. Criteria: ARUP Molecular Germline Variant Investigation Process. Collection method: clinical testing. Allele origin: germline.

Illumina Laboratory Services, Illumina
Classification: Likely benign for Ellis-van Creveld syndrome. Last evaluated: 2018-01-13. Review status: criteria provided, single submitter. Criteria: ICSL Variant Classification Criteria 13 December 2019. Collection method: clinical testing. Allele origin: germline.
Comment: This variant was observed in the ICSL laboratory as part of a predisposition screen in an ostensibly healthy population. It had not been previously curated by ICSL or reported in the Human Gene Mutation Database (HGMD: prior to June 1st, 2018), and was therefore a candidate for classification through an automated scoring system. Utilizing variant allele frequency, disease prevalence and penetrance estimates, and inheritance mode, an automated score was calculated to assess if this variant is too frequent to cause the disease. Based on the score and internal cut-off values, a variant classified as likely benign is not then subjected to further curation. The score for this variant resulted in a classification of likely benign for this disease.